The following is an entry in ClinVar:

NM_001903.5(CTNNA1):c.2504C>T (p.Ala835Val)

Gene: CTNNA1 (catenin alpha 1; plus strand). Cytogenetic location: 5q31.2.
Variant type: single nucleotide variant.
Coding change: c.2504C>T on transcript NM_001903.5 (MANE Select); coding-DNA position 2504, C replaced by T.
Protein change: p.Ala835Val; replaces alanine 835 with valine.
Molecular consequence: missense variant. On other transcripts: 3 prime UTR variant (5).
Genome position (GRCh38, 1-based): chr5:138,933,872, C>T. VCF-style: chr5-138933872-C-T. GRCh37 (hg19) VCF-style: chr5-138269561-C-T.
Other names: c.*49C>T (NM_001290307.3, NM_001324002.1, NM_001324003.1 and 2 more transcripts); c.2195C>T, p.Ala732Val (NM_001290309.3); c.2135C>T, p.Ala712Val (NM_001290310.3); c.1394C>T, p.Ala465Val (NM_001290312.1, NM_001323987.1, NM_001323988.1 and 12 more transcripts); c.2504C>T, p.Ala835Val (NM_001323982.2, NM_001323983.1, NM_001323984.2); c.2477C>T, p.Ala826Val (NM_001323985.2); c.2411C>T, p.Ala804Val (NM_001323986.2); c.1055C>T, p.Ala352Val (NM_001324006.1, NM_001324007.1, NM_001324008.1 and 2 more transcripts); and 4 more; short protein forms A352V, A384V, A465V, A434V, A712V, A804V, A835V, A732V.
Identifiers: ClinVar variation 664125 (VCV000664125.17), dbSNP rs377477287, ClinGen allele CA3432254.
Genomic context (GRCh38, chr5:138,933,872, plus strand): 5'-CCATGTCCCTGATCCAGGCAGCCAAGAACTTGATGAATGCTGTGGTGCAGACAGTGAAGG[C>T]ATCCTACGTCGCCTCTACCAAATACCAAAAGTCACAGGGTATGGCTTCCCTCAACCTTCC-3'
Protein context (NP_001894.2, residues 825-845): LMNAVVQTVK[Ala835Val]SYVASTKYQK

ClinVar aggregate classification (germline): Conflicting classifications of pathogenicity. Review status: criteria provided, conflicting classifications (1 of 4 stars). 6 submissions from 6 submitters: Uncertain significance (5); Likely benign (1). Last evaluated 2026-01-18.

Conditions:
CTNNA1-related disorder. Also called: CTNNA1-related condition.
Hereditary cancer-predisposing syndrome. Also called: Tumor predisposition; Hereditary neoplastic syndrome; Hereditary Cancer Syndrome; Neoplastic Syndromes, Hereditary. Identifiers: Orphanet 140162, MedGen C0027672, MeSH D009386, MONDO:0015356.
Patterned macular dystrophy 2. Identifiers: Orphanet 99001, MedGen C1837029, MONDO:0012162, OMIM 608970.

Allele frequency attached by ClinVar (database versions not stated): ExAC 0.00002; gnomAD exomes 0.00004; TOPMed 0.00005; ESP Exome Variant Server 0.00008; gnomAD 0.00008 and 0.00009.
gnomAD v4.1: 75 of 1,614,068 alleles (0.0046%); highest among the groups gnomAD compares: Non-Finnish European, 0.0063%; no homozygotes.

Submissions (6):

Labcorp Genetics (formerly Invitae), Labcorp
Classification: Uncertain significance. Last evaluated: 2026-01-18. Review status: criteria provided, single submitter. Criteria: Invitae Variant Classification Sherloc (09022015). Collection method: clinical testing. Allele origin: germline.
Comment: This sequence change replaces alanine, which is neutral and non-polar, with valine, which is neutral and non-polar, at codon 835 of the CTNNA1 protein (p.Ala835Val). This variant is present in population databases (rs377477287, gnomAD 0.009%). This variant has not been reported in the literature in individuals affected with CTNNA1-related conditions. ClinVar contains an entry for this variant (Variation ID: 664125). Invitae Evidence Modeling of protein sequence and biophysical properties (such as structural, functional, and spatial information, amino acid conservation, physicochemical variation, residue mobility, and thermodynamic stability) indicates that this missense variant is not expected to disrupt CTNNA1 protein function with a negative predictive value of 80%. RNA analysis performed to evaluate the impact of this missense change on mRNA splicing indicates it does not significantly alter splicing (internal data). In summary, the available evidence is currently insufficient to determine the role of this variant in disease. Therefore, it has been classified as a Variant of Uncertain Significance.

Center for Genomic Medicine, Rigshospitalet, Copenhagen University Hospital
Classification: Uncertain significance. Last evaluated: 2025-12-29. Review status: criteria provided, single submitter. Criteria: ACMG Guidelines, 2015. Collection method: clinical testing. Allele origin: germline.

GeneDx
Classification: Uncertain significance. Last evaluated: 2025-04-14. Review status: criteria provided, single submitter. Criteria: GeneDx Variant Classification Process June 2021. Collection method: clinical testing. Allele origin: germline. Affected: yes.
Comment: In silico analysis supports that this missense variant has a deleterious effect on protein structure/function; Observed in individuals undergoing multigene panel testing (PMID: 32051609); This variant is associated with the following publications: (PMID: 32051609)

PreventionGenetics, part of Exact Sciences
Classification: Uncertain significance for CTNNA1-related condition. Last evaluated: 2024-11-13. Review status: criteria provided, single submitter. Criteria: ACMG Guidelines, 2015. Collection method: clinical testing. Allele origin: germline.
Comment: The CTNNA1 c.2504C>T variant is predicted to result in the amino acid substitution p.Ala835Val. This variant was reported as a variant of uncertain significance in a large cohort of individuals with gastric and/or breast cancer; however, no other evidence was provided to support pathogenicity (Clark et al. 2020. PubMed ID: 32051609, supplementary data). This variant is reported in 0.0085% of alleles in individuals of European (Non-Finnish) descent in gnomAD. In the ClinVar database, this variant has been listed as 'likely benign' or 'uncertain' by outside laboratories. At this time, the clinical significance of this variant is uncertain due to the absence of conclusive functional and genetic evidence.

Fulgent Genetics
Classification: Uncertain significance for Patterned macular dystrophy 2. Last evaluated: 2024-02-15. Review status: criteria provided, single submitter. Criteria: ACMG Guidelines, 2015. Collection method: clinical testing. Allele origin: germline.

Ambry Genetics
Classification: Likely benign for Hereditary cancer-predisposing syndrome. Last evaluated: 2021-11-02. Review status: criteria provided, single submitter. Criteria: Ambry Variant Classification Scheme 2023. Collection method: clinical testing. Allele origin: germline.

Literature cited by the submitters: PubMed 32051609 (cited by Ambry Genetics).